The following is an entry in ClinVar:

NM_001323289.2(CDKL5):c.1485dup (p.Lys496fs)

Gene: CDKL5 (cyclin dependent kinase like 5; plus strand). Cytogenetic location: Xp22.13.
Variant type: Duplication.
Coding change: c.1485dup on transcript NM_001323289.2 (MANE Select); coding-DNA position 1485, one base duplicated (C; older notation c.1485dupC).
Protein change: p.Lys496fs; shifts the reading frame from lysine 496.
Molecular consequence: frameshift variant.
Genome position (GRCh38, 1-based): chrX:18,604,409, C duplicated; the last of 2 consecutive C bases (chrX:18,604,408-18,604,409); duplicating either gives the same sequence. VCF-style (leftmost placement, unchanged base first): chrX-18604407-T-TC. GRCh37 (hg19) VCF-style: chrX-18622527-T-TC.
Other names: c.1485dup, p.Lys496fs (NM_001037343.2, NM_003159.3); short protein forms K496fs.
Identifiers: ClinVar variation 838071 (VCV000838071.12), dbSNP rs1926283743, ClinGen allele CA916083842.

ClinVar aggregate classification (germline): Pathogenic (1 of 4 stars; one submission).

Conditions:
Developmental and epileptic encephalopathy, 2 (DEE2). Also called: INFANTILE SPASM SYNDROME, X-LINKED 2; CDKL5 deficiency disorder. Identifiers: Orphanet 1934, Orphanet 3451, Orphanet 505652, MedGen C4750718, MONDO:0010396, OMIM 300672.
Angelman syndrome-like. Identifiers: MedGen CN128785.

Submission:

Labcorp Genetics (formerly Invitae), Labcorp
Classification: Pathogenic for Developmental and epileptic encephalopathy, 2; Angelman syndrome-like. Last evaluated: 2019-12-24. Review status: criteria provided, single submitter. Criteria: Invitae Variant Classification Sherloc (09022015). Collection method: clinical testing. Allele origin: germline.
Comment: Loss-of-function variants in CDKL5 are known to be pathogenic (PMID: 22872100). This variant has not been reported in the literature in individuals with CDKL5-related conditions. This variant is not present in population databases (ExAC no frequency). This sequence change creates a premature translational stop signal (p.Lys496Glnfs*8) in the CDKL5 gene. It is expected to result in an absent or disrupted protein product. For these reasons, this variant has been classified as Pathogenic.

Literature cited by the submitters: PubMed 22872100.